The following is an entry in ClinVar:

ClinVar aggregate classification (germline): Uncertain significance. Review status: criteria provided, multiple submitters, no conflicts (2 of 4 stars). 2 submissions from 2 submitters: Uncertain significance (2). Last evaluated 2025-11-03.

Conditions:
Hereditary cancer-predisposing syndrome. Also called: Neoplastic Syndromes, Hereditary; Tumor predisposition; Hereditary Cancer Syndrome; Hereditary neoplastic syndrome. Identifiers: Orphanet 140162, MedGen C0027672, MeSH D009386, MONDO:0015356.

Allele frequency attached by ClinVar (database versions not stated): gnomAD exomes below 0.00001.
gnomAD v4.1: 2 of 1,614,176 alleles (0.00012%); highest among the groups gnomAD compares: Non-Finnish European, 0.00017%; no homozygotes.

Submissions (2):

Labcorp Genetics (formerly Invitae), Labcorp
Classification: Uncertain significance. Last evaluated: 2025-11-03. Review status: criteria provided, single submitter. Criteria: Invitae Variant Classification Sherloc (09022015). Collection method: clinical testing. Allele origin: germline.
Comment: This sequence change replaces phenylalanine, which is neutral and non-polar, with serine, which is neutral and polar, at codon 253 of the POLE protein (p.Phe253Ser). This variant is not present in population databases (gnomAD no frequency). This variant has not been reported in the literature in individuals affected with POLE-related conditions. ClinVar contains an entry for this variant (Variation ID: 473828). An algorithm developed to predict the effect of missense changes on protein structure and function outputs the following: PolyPhen-2: "Benign". The serine amino acid residue is found in multiple mammalian species, which suggests that this missense change does not adversely affect protein function. In summary, the available evidence is currently insufficient to determine the role of this variant in disease. Therefore, it has been classified as a Variant of Uncertain Significance.

Ambry Genetics
Classification: Uncertain significance for Hereditary cancer-predisposing syndrome. Last evaluated: 2025-05-06. Review status: criteria provided, single submitter. Criteria: Ambry Variant Classification Scheme 2023. Collection method: clinical testing. Allele origin: germline.
Comment: The p.F253S variant (also known as c.758T>C), located in coding exon 8 of the POLE gene, results from a T to C substitution at nucleotide position 758. The phenylalanine at codon 253 is replaced by serine, an amino acid with highly dissimilar properties. This amino acid position is conserved. In addition, this alteration is predicted to be tolerated by in silico analysis. Based on the available evidence, the clinical significance of this variant remains unclear.

NM_006231.4(POLE):c.758T>C (p.Phe253Ser)

Gene: POLE (DNA polymerase epsilon, catalytic subunit; minus strand). Cytogenetic location: 12q24.33.
Variant type: single nucleotide variant.
Coding change: c.758T>C on transcript NM_006231.4 (MANE Select); coding-DNA position 758, T replaced by C.
Protein change: p.Phe253Ser; replaces phenylalanine 253 with serine.
Molecular consequence: missense variant.
Genome position (GRCh38, 1-based): chr12:132,677,406, A>G on the plus strand (T>C on the coding strand, the complement: POLE is on the minus strand). VCF-style: chr12-132677406-A-G. GRCh37 (hg19) VCF-style: chr12-133253992-A-G.
Other names: c.758T>C (NM_006231.2); short protein forms F253S.
Identifiers: ClinVar variation 473828 (VCV000473828.10), dbSNP rs1555229581, ClinGen allele CA387364483.